The following is an entry in ClinVar:

ClinVar aggregate classification (germline): Likely benign. Review status: reviewed by expert panel (3 of 4 stars). 9 submissions from 8 submitters: Likely benign (1). 8 of the submissions do not count toward it. Last evaluated 2017-06-29.

Conditions:
BRCA2-related cancer predisposition. Identifiers: MedGen CN377758, MONDO:0700269.
Hereditary cancer-predisposing syndrome. Also called: Tumor predisposition; Hereditary Cancer Syndrome; Hereditary neoplastic syndrome; Neoplastic Syndromes, Hereditary. Identifiers: Orphanet 140162, MedGen C0027672, MeSH D009386, MONDO:0015356.
Hereditary breast ovarian cancer syndrome. Also called: Breast and ovarian cancer; Hereditary breast and ovarian cancer syndrome; Hereditary breast and ovarian cancer; BRCA1- and BRCA2-Associated Hereditary Breast and Ovarian Cancer; Hereditary breast and ovarian cancer syndrome (HBOC); Hereditary breast and/or ovarian cancer syndrome. Identifiers: Orphanet 145, MedGen C0677776, MeSH D061325, MONDO:0003582. Disease mechanism: loss of function.
Fanconi anemia complementation group D1. Also called: BRCA2-Related Fanconi Anemia. Identifiers: Orphanet 319462, MedGen C1838457, MONDO:0011584, OMIM 605724.
Breast-ovarian cancer, familial, susceptibility to, 2 (BROVCA2). Also called: BRCA2 Hereditary Breast and Ovarian Cancer. Identifiers: Orphanet 145, MedGen C2675520, MONDO:0012933, OMIM 612555. Disease mechanism: loss of function.

Allele frequency attached by ClinVar (database versions not stated): gnomAD exomes below 0.00001; ExAC 0.00001; TOPMed 0.00001.
gnomAD v4.1: 3 of 1,610,498 alleles (0.00019%); highest among the groups gnomAD compares: Non-Finnish European, 0.00025%; no homozygotes.

Submissions (9):

Evidence-based Network for the Interpretation of Germline Mutant Alleles (ENIGMA)
Classification: Likely benign for Breast-ovarian cancer, familial, susceptibility to, 2. Last evaluated: 2017-06-29. Review status: reviewed by expert panel. Criteria: ENIGMA BRCA1/2 Classification Criteria (2017-06-29). Collection method: curation. Allele origin: germline.
Comment: Synonymous substitution variant, with low bioinformatic likelihood to result in a splicing aberration (Splicing prior probability 0.02).

Labcorp Genetics (formerly Invitae), Labcorp
Classification: Likely benign for Hereditary breast ovarian cancer syndrome. Last evaluated: 2026-01-19. Review status: criteria provided, single submitter. Criteria: Invitae Variant Classification Sherloc (09022015). Collection method: clinical testing. Allele origin: germline. Not counted in ClinVar's aggregate classification.

All of Us Research Program, National Institutes of Health
Classification: Likely benign for BRCA2-related cancer predisposition. Last evaluated: 2024-04-25. Review status: criteria provided, single submitter. Criteria: ACMG Guidelines, 2015. Collection method: clinical testing. Allele origin: germline. Inheritance: Autosomal dominant inheritance. Observed: 1 variant allele, 1 heterozygote. Not counted in ClinVar's aggregate classification.
Comment: This study involves interpretation of variants in research participants for the purpose of population health screening. Participant phenotype was not available at the time of variant classification. Additional details can be found in publication PMID: 35346344, PMCID: PMC8962531

Women's Health and Genetics/Laboratory Corporation of America, LabCorp
Classification: Likely benign. Last evaluated: 2019-07-10. Review status: criteria provided, single submitter. Criteria: LabCorp Variant Classification Summary - May 2015. Collection method: clinical testing. Allele origin: germline. Not counted in ClinVar's aggregate classification.

Color Diagnostics, LLC DBA Color Health
Classification: Likely benign for Hereditary cancer-predisposing syndrome. Last evaluated: 2018-04-19. Review status: criteria provided, single submitter. Criteria: ACMG Guidelines, 2015. Collection method: clinical testing. Allele origin: germline. Not counted in ClinVar's aggregate classification.

Illumina Laboratory Services, Illumina
Classification: Uncertain significance for Breast-ovarian cancer, familial, susceptibility to, 2. Last evaluated: 2018-01-12. Review status: criteria provided, single submitter. Criteria: ICSL Variant Classification Criteria 13 December 2019. Collection method: clinical testing. Allele origin: germline. Not counted in ClinVar's aggregate classification.

Illumina Laboratory Services, Illumina
Classification: Uncertain significance for Fanconi anemia complementation group D1. Last evaluated: 2018-01-12. Review status: criteria provided, single submitter. Criteria: ICSL Variant Classification Criteria 13 December 2019. Collection method: clinical testing. Allele origin: germline. Not counted in ClinVar's aggregate classification.

Ambry Genetics
Classification: Likely benign for Hereditary cancer-predisposing syndrome. Last evaluated: 2015-09-25. Review status: criteria provided, single submitter. Criteria: Ambry Variant Classification Scheme 2023. Collection method: clinical testing. Allele origin: germline. Not counted in ClinVar's aggregate classification.

Counsyl
Classification: Likely benign for Breast-ovarian cancer, familial, susceptibility to, 2. Last evaluated: 2018-02-09. Review status: no assertion criteria provided. Collection method: clinical testing. Allele origin: unknown. Not counted in ClinVar's aggregate classification.

NM_000059.4(BRCA2):c.2526A>G (p.Val842=)

Gene: BRCA2 (BRCA2 DNA repair associated; plus strand). Cytogenetic location: 13q13.1.
Variant type: single nucleotide variant.
Coding change: c.2526A>G on transcript NM_000059.4 (MANE Select); coding-DNA position 2526, A replaced by G.
Protein change: p.Val842=; no amino-acid change (valine 842 retained).
Molecular consequence: synonymous variant.
Genome position (GRCh38, 1-based): chr13:32,336,881, A>G. VCF-style: chr13-32336881-A-G. GRCh37 (hg19) VCF-style: chr13-32911018-A-G.
Identifiers: ClinVar variation 185410 (VCV000185410.26), dbSNP rs770778164, ClinGen allele CA015560.